The following is an entry in ClinVar:

ClinVar aggregate classification (germline): Uncertain significance. Review status: criteria provided, multiple submitters, no conflicts (2 of 4 stars). 2 submissions from 2 submitters: Uncertain significance (2). Last evaluated 2025-01-14.

Conditions:
Hereditary cancer-predisposing syndrome. Also called: Neoplastic Syndromes, Hereditary; Tumor predisposition; Hereditary neoplastic syndrome; Hereditary Cancer Syndrome. Identifiers: Orphanet 140162, MedGen C0027672, MeSH D009386, MONDO:0015356.
Familial adenomatous polyposis 1 (FAP1). Also called: POLYPOSIS, ADENOMATOUS INTESTINAL; FAMILIAL ADENOMATOUS POLYPOSIS 1, ATTENUATED. Identifiers: MedGen C2713442, MONDO:0021056, OMIM 175100. Disease mechanism: loss of function.

Allele frequency attached by ClinVar (database versions not stated): gnomAD exomes below 0.00001.
gnomAD v4.1: 1 of 1,614,106 alleles (0.000062%); highest among the groups gnomAD compares: African/African-American, 0.0013%; no homozygotes.

Submissions (2):

Labcorp Genetics (formerly Invitae), Labcorp
Classification: Uncertain significance for Familial adenomatous polyposis 1. Last evaluated: 2025-01-14. Review status: criteria provided, single submitter. Criteria: Invitae Variant Classification Sherloc (09022015). Collection method: clinical testing. Allele origin: germline.
Comment: This sequence change replaces alanine, which is neutral and non-polar, with glycine, which is neutral and non-polar, at codon 1591 of the APC protein (p.Ala1591Gly). This variant is not present in population databases (gnomAD no frequency). This variant has not been reported in the literature in individuals affected with APC-related conditions. ClinVar contains an entry for this variant (Variation ID: 825162). Invitae Evidence Modeling of protein sequence and biophysical properties (such as structural, functional, and spatial information, amino acid conservation, physicochemical variation, residue mobility, and thermodynamic stability) indicates that this missense variant is not expected to disrupt APC protein function with a negative predictive value of 95%. In summary, the available evidence is currently insufficient to determine the role of this variant in disease. Therefore, it has been classified as a Variant of Uncertain Significance.

Ambry Genetics
Classification: Uncertain significance for Hereditary cancer-predisposing syndrome. Last evaluated: 2019-06-02. Review status: criteria provided, single submitter. Criteria: Ambry Variant Classification Scheme 2023. Collection method: clinical testing. Allele origin: germline.
Comment: The p.A1591G variant (also known as c.4772C>G), located in coding exon 15 of the APC gene, results from a C to G substitution at nucleotide position 4772. The alanine at codon 1591 is replaced by glycine, an amino acid with similar properties. This amino acid position is not well conserved in available vertebrate species. In addition, in silico predictors for this gene do not accurately predict pathogenicity. Since supporting evidence is limited at this time, the clinical significance of this alteration remains unclear.

NM_000038.6(APC):c.4772C>G (p.Ala1591Gly)

Gene: APC (APC regulator of Wnt signaling pathway; plus strand). Cytogenetic location: 5q22.2.
Variant type: single nucleotide variant.
Coding change: c.4772C>G on transcript NM_000038.6 (MANE Select); coding-DNA position 4772, C replaced by G.
Protein change: p.Ala1591Gly; replaces alanine 1591 with glycine.
Molecular consequence: missense variant.
Genome position (GRCh38, 1-based): chr5:112,840,366, C>G. VCF-style: chr5-112840366-C-G. GRCh37 (hg19) VCF-style: chr5-112176063-C-G.
Other names: c.4772C>G, p.Ala1591Gly (NM_001127510.3, NM_001354895.2); c.4718C>G, p.Ala1573Gly (NM_001127511.3); c.4826C>G, p.Ala1609Gly (NM_001354896.2); c.4802C>G, p.Ala1601Gly (NM_001354897.2); c.4697C>G, p.Ala1566Gly (NM_001354898.2); c.4688C>G, p.Ala1563Gly (NM_001354899.2); c.4649C>G, p.Ala1550Gly (NM_001354900.2); c.4595C>G, p.Ala1532Gly (NM_001354901.2); and 5 more; short protein forms A1500G, A1563G, A1431G, A1308G, A1550G, A1573G, A1465G, A1490G.
Identifiers: ClinVar variation 825162 (VCV000825162.9), dbSNP rs1580652396, ClinGen allele CA16031792.